The following is an entry in ClinVar:

NM_006088.6(TUBB4B):c.1092C>T (p.Ser364=)

Gene: TUBB4B (tubulin beta 4B class IVb; plus strand). Cytogenetic location: 9q34.3.
Variant type: single nucleotide variant.
Coding change: c.1092C>T on transcript NM_006088.6 (MANE Select); coding-DNA position 1092, C replaced by T.
Protein change: p.Ser364=; no amino-acid change (serine 364 retained).
Molecular consequence: synonymous variant.
Genome position (GRCh38, 1-based): chr9:137,243,310, C>T. VCF-style: chr9-137243310-C-T. GRCh37 (hg19) VCF-style: chr9-140137762-C-T.
Other names: c.1092C>T (NM_006088.5).
Identifiers: ClinVar variation 2695268 (VCV002695268.6), dbSNP rs373518185, ClinGen allele CA5365460.

ClinVar aggregate classification (germline): Likely benign. Review status: criteria provided, multiple submitters, no conflicts (2 of 4 stars). 3 submissions from 3 submitters: Likely benign (2). 1 of the submissions does not count toward it. Last evaluated 2023-10-26.

Conditions:
TUBB4B-related disorder. Also called: TUBB4B-related condition.

Allele frequency attached by ClinVar (database versions not stated): ExAC 0.00007; ESP Exome Variant Server 0.00008; gnomAD 0.00011; TOPMed 0.00011.
gnomAD v4.1: 96 of 1,613,490 alleles (0.0059%); highest among the groups gnomAD compares: African/African-American, 0.029%; no homozygotes.

Submissions (3):

Labcorp Genetics (formerly Invitae), Labcorp
Classification: Likely benign. Last evaluated: 2023-10-26. Review status: criteria provided, single submitter. Criteria: Invitae Variant Classification Sherloc (09022015). Collection method: clinical testing. Allele origin: germline.

Blueprint Genetics
Classification: Likely benign. Last evaluated: 2021-10-13. Review status: criteria provided, single submitter. Criteria: ACMG Guidelines, 2015. Collection method: clinical testing. Allele origin: germline.

PreventionGenetics, part of Exact Sciences
Classification: Likely benign for TUBB4B-related condition. Last evaluated: 2019-09-13. Review status: no assertion criteria provided. Collection method: clinical testing. Allele origin: germline. Not counted in ClinVar's aggregate classification.
Comment: This variant is classified as likely benign based on ACMG/AMP sequence variant interpretation guidelines (Richards et al. 2015 PMID: 25741868, with internal and published modifications).